The following is an entry in ClinVar:

NM_001407.3(CELSR3):c.9912-8G>A

Gene: CELSR3 (cadherin EGF LAG seven-pass G-type receptor 3; minus strand). Cytogenetic location: 3p21.31.
Variant type: single nucleotide variant.
Coding change: c.9912-8G>A on transcript NM_001407.3 (MANE Select); 8 bases into the intron before coding-DNA position 9912, G replaced by A.
Molecular consequence: intron variant.
Genome position (GRCh38, 1-based): chr3:48,638,240, C>T on the plus strand (G>A on the coding strand, the complement: CELSR3 is on the minus strand). VCF-style: chr3-48638240-C-T. GRCh37 (hg19) VCF-style: chr3-48675673-C-T.
Identifiers: ClinVar variation 3057558 (VCV003057558.2), dbSNP rs369652176, ClinGen allele CA2383414.

ClinVar aggregate classification (germline): Likely benign (0 of 4 stars; one submission).

Conditions:
CELSR3-related disorder. Also called: CELSR3-related condition.

Allele frequency attached by ClinVar (database versions not stated): TOPMed 0.00006; ESP Exome Variant Server 0.00008; gnomAD 0.00017; ExAC 0.00089; 1000 Genomes Project 30x 0.00156; 1000 Genomes Project 0.00160.
gnomAD v4.1: 428 of 1,611,910 alleles (0.027%); highest among the groups gnomAD compares: South Asian, 0.44%; 10 homozygotes.

Submission:

PreventionGenetics, part of Exact Sciences
Classification: Likely benign for CELSR3-related condition. Last evaluated: 2019-04-05. Review status: no assertion criteria provided. Collection method: clinical testing. Allele origin: germline.
Comment: This variant is classified as likely benign based on ACMG/AMP sequence variant interpretation guidelines (Richards et al. 2015 PMID: 25741868, with internal and published modifications).